The following is an entry in ClinVar:

ClinVar aggregate classification (germline): Pathogenic (1 of 4 stars; one submission).

Conditions:
Hermansky-Pudlak syndrome 2 (HPS2). Also called: Platelet defects and oculocutaneous albinism. Identifiers: Orphanet 183678, Orphanet 79430, MedGen C1842362, MONDO:0011997, OMIM 608233.

Allele frequency attached by ClinVar (database versions not stated): TOPMed below 0.00001.

Submission:

Labcorp Genetics (formerly Invitae), Labcorp
Classification: Pathogenic for Hermansky-Pudlak syndrome 2. Last evaluated: 2022-11-15. Review status: criteria provided, single submitter. Criteria: Invitae Variant Classification Sherloc (09022015). Collection method: clinical testing. Allele origin: germline.
Comment: For these reasons, this variant has been classified as Pathogenic. This variant has not been reported in the literature in individuals affected with AP3B1-related conditions. This variant is not present in population databases (gnomAD no frequency). This sequence change creates a premature translational stop signal (p.Leu636*) in the AP3B1 gene. It is expected to result in an absent or disrupted protein product. Loss-of-function variants in AP3B1 are known to be pathogenic (PMID: 16507770, 23403622).

Literature cited by the submitters: PubMed 16507770; PubMed 23403622.

NM_003664.5(AP3B1):c.1907T>G (p.Leu636Ter)

Gene: AP3B1 (adaptor related protein complex 3 subunit beta 1; minus strand). Cytogenetic location: 5q14.1.
Variant type: single nucleotide variant.
Coding change: c.1907T>G on transcript NM_003664.5 (MANE Select); coding-DNA position 1907, T replaced by G.
Protein change: p.Leu636Ter; replaces leucine 636 with a stop codon.
Molecular consequence: nonsense.
Genome position (GRCh38, 1-based): chr5:78,128,091, A>C on the plus strand (T>G on the coding strand, the complement: AP3B1 is on the minus strand). VCF-style: chr5-78128091-A-C. GRCh37 (hg19) VCF-style: chr5-77423915-A-C.
Other names: c.1760T>G, p.Leu587Ter (NM_001271769.2); c.1907T>G, p.Leu636Ter (NM_001410752.1); short protein forms L587*, L636*.
Identifiers: ClinVar variation 2812558 (VCV002812558.3), dbSNP rs1207467578, ClinGen allele CA360187082.
Genomic context (GRCh38, chr5:78,128,091, plus strand): 5'-AACTCTATTACTTCTACATTTCGAACTGATGGGTCGGGCGCCACCTCTGGCCAATTAGAT[A>C]ATTCCAGGTACCCAGTAGCTTTAATGTTGAGAGTATGAGATAAGGTGCCAAGCTGGAAAT-3'